The following is an entry in ClinVar:

NM_001349338.3(FOXP1):c.88G>A (p.Gly30Ser)

Gene: FOXP1 (forkhead box P1; minus strand). Cytogenetic location: 3p13.
Variant type: single nucleotide variant.
Coding change: c.88G>A on transcript NM_001349338.3 (MANE Select); coding-DNA position 88, G replaced by A.
Protein change: p.Gly30Ser; replaces glycine 30 with serine.
Molecular consequence: missense variant. On other transcripts: non-coding transcript variant (2).
Genome position (GRCh38, 1-based): chr3:71,198,294, C>T on the plus strand (G>A on the coding strand, the complement: FOXP1 is on the minus strand). VCF-style: chr3-71198294-C-T. GRCh37 (hg19) VCF-style: chr3-71247445-C-T.
Other names: c.88G>A, p.Gly30Ser (NM_001012505.2, NM_001244808.3, NM_001244810.2 and 6 more transcripts); short protein forms G30S.
Identifiers: ClinVar variation 1018781 (VCV001018781.5), dbSNP rs913003790, ClinGen allele CA77135954.

ClinVar aggregate classification (germline): Uncertain significance (1 of 4 stars; one submission).

Allele frequency attached by ClinVar (database versions not stated): TOPMed below 0.00001.
gnomAD v4.1: 3 of 1,614,130 alleles (0.00019%); highest among the groups gnomAD compares: South Asian, 0.0011%; no homozygotes.

Submission:

Labcorp Genetics (formerly Invitae), Labcorp
Classification: Uncertain significance. Last evaluated: 2018-04-09. Review status: criteria provided, single submitter. Criteria: Invitae Variant Classification Sherloc (09022015). Collection method: clinical testing. Allele origin: germline.
Comment: In summary, the available evidence is currently insufficient to determine the role of this variant in disease. Therefore, it has been classified as a Variant of Uncertain Significance. Algorithms developed to predict the effect of missense changes on protein structure and function output the following: SIFT: "Tolerated"; PolyPhen-2: "Benign"; Align-GVGD: "Class C0". The serine amino acid residue is found in multiple mammalian species, suggesting that this missense change does not adversely affect protein function. These predictions have not been confirmed by published functional studies and their clinical significance is uncertain. This variant has not been reported in the literature in individuals with FOXP1-related disease. This variant is not present in population databases (ExAC no frequency). This sequence change replaces glycine with serine at codon 30 of the FOXP1 protein (p.Gly30Ser). The glycine residue is weakly conserved and there is a small physicochemical difference between glycine and serine.